The following is an entry in ClinVar:

ClinVar aggregate classification (germline): Uncertain significance (1 of 4 stars; one submission).

gnomAD v4.1: 6 of 1,598,980 alleles (0.00038%); highest among the groups gnomAD compares: South Asian, 0.0056%; 1 homozygote.

Submission:

Labcorp Genetics (formerly Invitae), Labcorp
Classification: Uncertain significance. Last evaluated: 2022-02-20. Review status: criteria provided, single submitter. Criteria: Invitae Variant Classification Sherloc (09022015). Collection method: clinical testing. Allele origin: germline.
Comment: In summary, the available evidence is currently insufficient to determine the role of this variant in disease. Therefore, it has been classified as a Variant of Uncertain Significance. Algorithms developed to predict the effect of missense changes on protein structure and function (SIFT, PolyPhen-2, Align-GVGD) all suggest that this variant is likely to be tolerated. This variant has not been reported in the literature in individuals affected with ARHGEF18-related conditions. This variant is not present in population databases (gnomAD no frequency). This sequence change replaces alanine, which is neutral and non-polar, with serine, which is neutral and polar, at codon 722 of the ARHGEF18 protein (p.Ala722Ser).

NM_001367823.1(ARHGEF18):c.2728G>T (p.Ala910Ser)

Gene: ARHGEF18 (Rho/Rac guanine nucleotide exchange factor 18; plus strand). Cytogenetic location: 19p13.2.
Variant type: single nucleotide variant.
Coding change: c.2728G>T on transcript NM_001367823.1 (MANE Select); coding-DNA position 2728, G replaced by T.
Protein change: p.Ala910Ser; replaces alanine 910 with serine.
Molecular consequence: missense variant.
Genome position (GRCh38, 1-based): chr19:7,463,910, G>T. VCF-style: chr19-7463910-G-T. GRCh37 (hg19) VCF-style: chr19-7528796-G-T.
Other names: c.2002G>T, p.Ala668Ser (NM_001130955.2); c.1690G>T, p.Ala564Ser (NM_001367824.1, NM_015318.4); short protein forms A910S, A564S, A668S.
Identifiers: ClinVar variation 2099924 (VCV002099924.4), dbSNP rs1976448886, ClinGen allele CA403082153.